The following is an entry in ClinVar:

NM_004281.4(BAG3):c.165del (p.Ser56fs)

Gene: BAG3 (BAG cochaperone 3; plus strand). Cytogenetic location: 10q26.11.
Variant type: Deletion.
Coding change: c.165del on transcript NM_004281.4 (MANE Select); coding-DNA position 165, one base deleted (C; older notation c.165delC).
Protein change: p.Ser56fs; shifts the reading frame from serine 56.
Molecular consequence: frameshift variant.
Genome position (GRCh38, 1-based): chr10:119,651,840, C deleted; the last of 3 consecutive C bases (chr10:119,651,838-119,651,840); deleting any one gives the same sequence. VCF-style (leftmost placement, unchanged base first): chr10-119651837-GC-G. GRCh37 (hg19) VCF-style: chr10-121411349-GC-G.
Other names: short protein forms S56fs.
Identifiers: ClinVar variation 1396666 (VCV001396666.6), dbSNP rs2134050674, ClinGen allele CA2573145581.

ClinVar aggregate classification (germline): Pathogenic (1 of 4 stars; one submission).

Conditions:
Myofibrillar myopathy 6. Identifiers: Orphanet 199340, MedGen C2751831, MONDO:0013061, OMIM 612954.
Dilated cardiomyopathy 1HH (CMD1HH). Identifiers: Orphanet 154, MedGen C3151293, MONDO:0013479, OMIM 613881.

Submission:

Labcorp Genetics (formerly Invitae), Labcorp
Classification: Pathogenic for Dilated cardiomyopathy 1HH; Myofibrillar myopathy 6. Last evaluated: 2021-05-05. Review status: criteria provided, single submitter. Criteria: Invitae Variant Classification Sherloc (09022015). Collection method: clinical testing. Allele origin: germline.
Comment: For these reasons, this variant has been classified as Pathogenic. This variant has not been reported in the literature in individuals with BAG3-related conditions. This variant is not present in population databases (ExAC no frequency). This sequence change creates a premature translational stop signal (p.Ser56Leufs*155) in the BAG3 gene. It is expected to result in an absent or disrupted protein product. Loss-of-function variants in BAG3 are known to be pathogenic (PMID: 21353195, 25008357).

Literature cited by the submitters: PubMed 21353195; PubMed 25008357.